The following is an entry in ClinVar:

ClinVar aggregate classification (germline): Pathogenic. Review status: criteria provided, multiple submitters, no conflicts (2 of 4 stars). 3 submissions from 3 submitters: Pathogenic (3). Last evaluated 2022-01-17.

Conditions:
Choroideremia. Also called: Chorioretinal scalloped atrophy. Identifiers: Orphanet 180, MedGen C0008525, MONDO:0010557, OMIM 303100, HP:0001139.

Submissions (3):

Labcorp Genetics (formerly Invitae), Labcorp
Classification: Pathogenic. Last evaluated: 2022-01-17. Review status: criteria provided, single submitter. Criteria: Invitae Variant Classification Sherloc (09022015). Collection method: clinical testing. Allele origin: germline.
Comment: This sequence change affects an acceptor splice site in intron 6 of the CHM gene. It is expected to disrupt RNA splicing. Variants that disrupt the donor or acceptor splice site typically lead to a loss of protein function (PMID: 16199547), and loss-of-function variants in CHM are known to be pathogenic (PMID: 9067750, 23811034). This variant is not present in population databases (gnomAD no frequency). Disruption of this splice site has been observed in individual(s) with choroideremia (PMID: 21905166). ClinVar contains an entry for this variant (Variation ID: 449468). Algorithms developed to predict the effect of sequence changes on RNA splicing suggest that this variant may disrupt the consensus splice site. For these reasons, this variant has been classified as Pathogenic.

Mendelics
Classification: Pathogenic for Choroideremia. Last evaluated: 2019-05-28. Review status: criteria provided, single submitter. Criteria: Mendelics Assertion Criteria 2017. Collection method: clinical testing. Allele origin: unknown.

GeneDx
Classification: Pathogenic. Last evaluated: 2018-06-15. Review status: criteria provided, single submitter. Criteria: GeneDx Variant Classification (06012015). Collection method: clinical testing. Allele origin: germline. Affected: yes.
Comment: The c.820-2 A>G splice site variant in the CHM gene has been previously reported in association with choroideremia (Esposito et al., 2011). This pathogenic variant destroys the canonical splice acceptor site in intron 7. mRNA studies demonstrated that the presence of the c.820-2 A>G variant results in the skipping of exon 7 and in vitro transcription/translation studies also showed that the resulting protein is truncated (Esposito et al., 2011). The c.820-2 A>G variant was not observed in approximately 6,500 individuals of European and African American ancestry in the NHLBI Exome Sequencing Project, indicating it is not a common benign variant in these populations

Literature cited by the submitters: PubMed 16199547 (cited by Labcorp Genetics (formerly Invitae), Labcorp); PubMed 9067750 (cited by Labcorp Genetics (formerly Invitae), Labcorp); PubMed 23811034 (cited by Labcorp Genetics (formerly Invitae), Labcorp); PubMed 21905166 (cited by Labcorp Genetics (formerly Invitae), Labcorp).

NM_000390.4(CHM):c.820-2A>G

Gene: CHM (CHM Rab escort protein; minus strand). Cytogenetic location: Xq21.2.
Variant type: single nucleotide variant.
Coding change: c.820-2A>G on transcript NM_000390.4 (MANE Select); the canonical splice acceptor site of the intron before coding-DNA position 820, A replaced by G.
Molecular consequence: splice acceptor variant.
Genome position (GRCh38, 1-based): chrX:85,957,977, T>C on the plus strand (A>G on the coding strand, the complement: CHM is on the minus strand). VCF-style: chrX-85957977-T-C. GRCh37 (hg19) VCF-style: chrX-85212982-T-C.
Other names: c.376-2A>G (NM_001362519.1, NM_001362517.1, NM_001320959.1 and 1 more transcripts).
Identifiers: ClinVar variation 449468 (VCV000449468.8), dbSNP rs1556307713, ClinGen allele CA413785934.
Genomic context (GRCh38, chrX:85,957,977, plus strand): 5'-CGCTTTTCTACCATAGTAAGTTGTTTGCTATTAAAGACATCTGCTCTGGAACACGGAACC[T>C]GAAAAATATTATGATTTTAAGTTAAGAAACTGCTTCCTAATGATATAACTATTCCAAATT-3'